The following is an entry in ClinVar:

NM_004385.5(VCAN):c.3283G>C (p.Val1095Leu)

Gene: VCAN (versican; plus strand). Cytogenetic location: 5q14.3.
Variant type: single nucleotide variant.
Coding change: c.3283G>C on transcript NM_004385.5 (MANE Select); coding-DNA position 3283, G replaced by C.
Protein change: p.Val1095Leu; replaces valine 1095 with leucine.
Molecular consequence: missense variant. On other transcripts: intron variant (2).
Genome position (GRCh38, 1-based): chr5:83,521,589, G>C. VCF-style: chr5-83521589-G-C. GRCh37 (hg19) VCF-style: chr5-82817408-G-C.
Other names: c.3283G>C, p.Val1095Leu (NM_001164098.2); c.1042+9193G>C (NM_001164097.2, NM_001126336.3); short protein forms V1095L.
Identifiers: ClinVar variation 3648927 (VCV003648927.2).

ClinVar aggregate classification (germline): Uncertain significance (1 of 4 stars; one submission).

Submission:

Labcorp Genetics (formerly Invitae), Labcorp
Classification: Uncertain significance. Last evaluated: 2025-03-17. Review status: criteria provided, single submitter. Criteria: Invitae Variant Classification Sherloc (09022015). Collection method: clinical testing. Allele origin: germline.
Comment: This sequence change replaces valine, which is neutral and non-polar, with leucine, which is neutral and non-polar, at codon 1095 of the VCAN protein (p.Val1095Leu). This variant is not present in population databases (gnomAD no frequency). This variant has not been reported in the literature in individuals affected with VCAN-related conditions. An algorithm developed to predict the effect of missense changes on protein structure and function (PolyPhen-2) suggests that this variant is likely to be tolerated. In summary, the available evidence is currently insufficient to determine the role of this variant in disease. Therefore, it has been classified as a Variant of Uncertain Significance.